The following is an entry in ClinVar:

NM_006765.4(TUSC3):c.308+3A>G

Gene: TUSC3 (tumor suppressor candidate 3; plus strand). Cytogenetic location: 8p22.
Variant type: single nucleotide variant.
Coding change: c.308+3A>G on transcript NM_006765.4 (MANE Select); 3 bases into the intron after coding-DNA position 308, A replaced by G.
Molecular consequence: intron variant.
Genome position (GRCh38, 1-based): chr8:15,623,252, A>G. VCF-style: chr8-15623252-A-G. GRCh37 (hg19) VCF-style: chr8-15480761-A-G.
Other names: c.308+3A>G (NM_178234.2, NM_001356429.2).
Identifiers: ClinVar variation 1034307 (VCV001034307.1), dbSNP rs778993933, ClinGen allele CA4640349.

ClinVar aggregate classification (germline): Uncertain significance (1 of 4 stars; one submission).

Conditions:
Intellectual developmental disorder, autosomal recessive 7. Also called: Intellectual disability, autosomal recessive 7. Identifiers: Orphanet 88616, MedGen C1970197, MONDO:0012615, OMIM 611093.

Allele frequency attached by ClinVar (database versions not stated): ExAC 0.00001; gnomAD exomes 0.00001.
gnomAD v4.1: 3 of 1,579,284 alleles (0.00019%); highest among the groups gnomAD compares: Admixed American, 0.0055%; no homozygotes.

Submission:

Baylor Genetics
Classification: Uncertain significance for Intellectual developmental disorder, autosomal recessive 7. Last evaluated: 2018-02-09. Review status: criteria provided, single submitter. Criteria: ACMG Guidelines, 2015. Collection method: clinical testing. Allele origin: unknown. Affected: yes.
Comment: This variant was determined to be of uncertain significance according to ACMG Guidelines, 2015 [PMID:25741868].